The following is an entry in ClinVar:

ClinVar aggregate classification (germline): Uncertain significance. Review status: criteria provided, multiple submitters, no conflicts (2 of 4 stars). 2 submissions from 2 submitters: Uncertain significance (2). Last evaluated 2025-10-28.

Allele frequency attached by ClinVar (database versions not stated): gnomAD 0.00001; TOPMed 0.00001; gnomAD exomes 0.00002; ExAC 0.00002.
gnomAD v4.1: 33 of 1,612,788 alleles (0.002%); highest among the groups gnomAD compares: South Asian, 0.0066%; no homozygotes.

Submissions (2):

Ambry Genetics
Classification: Uncertain significance. Last evaluated: 2025-10-28. Review status: criteria provided, single submitter. Criteria: Ambry Variant Classification Scheme 2023. Collection method: clinical testing. Allele origin: germline.

Labcorp Genetics (formerly Invitae), Labcorp
Classification: Uncertain significance. Last evaluated: 2023-07-17. Review status: criteria provided, single submitter. Criteria: Invitae Variant Classification Sherloc (09022015). Collection method: clinical testing. Allele origin: germline.
Comment: This sequence change replaces asparagine, which is neutral and polar, with serine, which is neutral and polar, at codon 923 of the CCDC88A protein (p.Asn923Ser). This variant is present in population databases (rs747280965, gnomAD 0.006%). This variant has not been reported in the literature in individuals affected with CCDC88A-related conditions. ClinVar contains an entry for this variant (Variation ID: 1444051). An algorithm developed to predict the effect of missense changes on protein structure and function (PolyPhen-2) suggests that this variant is likely to be disruptive. In summary, the available evidence is currently insufficient to determine the role of this variant in disease. Therefore, it has been classified as a Variant of Uncertain Significance.

NM_001365480.1(CCDC88A):c.2768A>G (p.Asn923Ser)

Gene: CCDC88A (coiled-coil and HOOK domain protein 88A; minus strand). Cytogenetic location: 2p16.1.
Variant type: single nucleotide variant.
Coding change: c.2768A>G on transcript NM_001365480.1 (MANE Select); coding-DNA position 2768, A replaced by G.
Protein change: p.Asn923Ser; replaces asparagine 923 with serine.
Molecular consequence: missense variant.
Genome position (GRCh38, 1-based): chr2:55,332,653, T>C on the plus strand (A>G on the coding strand, the complement: CCDC88A is on the minus strand). VCF-style: chr2-55332653-T-C. GRCh37 (hg19) VCF-style: chr2-55559789-T-C.
Other names: c.2768A>G, p.Asn923Ser (NM_001135597.2, NM_001254943.2, NM_018084.5); c.2768A>G (NM_001135597.1); short protein forms N923S.
Identifiers: ClinVar variation 1444051 (VCV001444051.5), dbSNP rs747280965, ClinGen allele CA1665923.